The following is an entry in ClinVar:

NM_001849.4(COL6A2):c.544G>A (p.Glu182Lys)

Gene: COL6A2 (collagen type VI alpha 2 chain; plus strand). Cytogenetic location: 21q22.3.
Variant type: single nucleotide variant.
Coding change: c.544G>A on transcript NM_001849.4 (MANE Select); coding-DNA position 544, G replaced by A.
Protein change: p.Glu182Lys; replaces glutamic acid 182 with lysine.
Molecular consequence: missense variant.
Genome position (GRCh38, 1-based): chr21:46,112,407, G>A. VCF-style: chr21-46112407-G-A. GRCh37 (hg19) VCF-style: chr21-47532321-G-A.
Other names: c.544G>A, p.Glu182Lys (NM_058174.3, NM_058175.3); short protein forms E182K.
Identifiers: ClinVar variation 573800 (VCV000573800.13), dbSNP rs374504636, ClinGen allele CA10071332.

ClinVar aggregate classification (germline): Conflicting classifications of pathogenicity. Review status: criteria provided, conflicting classifications (1 of 4 stars). 4 submissions from 4 submitters: Uncertain significance (3); Likely benign (1). Last evaluated 2025-01-21.

Conditions:
Inborn genetic diseases. Identifiers: MedGen C0950123, MeSH D030342.
Bethlem myopathy 1A. Also called: Bethlem myopathy 1; MYOPATHY, BENIGN CONGENITAL, WITH CONTRACTURES; Bethlem Muscular Dystrophy. Identifiers: Orphanet 610, MedGen CN029274, MONDO:0024530, OMIM 158810.

Allele frequency attached by ClinVar (database versions not stated): ESP Exome Variant Server 0.00008; gnomAD 0.00008 and 0.00009; gnomAD exomes 0.00010; ExAC 0.00013.

Submissions (4):

Labcorp Genetics (formerly Invitae), Labcorp
Classification: Likely benign for Bethlem myopathy 1A. Last evaluated: 2025-01-21. Review status: criteria provided, single submitter. Criteria: Invitae Variant Classification Sherloc (09022015). Collection method: clinical testing. Allele origin: germline.

Ambry Genetics
Classification: Uncertain significance for Inborn genetic diseases. Last evaluated: 2024-10-01. Review status: criteria provided, single submitter. Criteria: Ambry Variant Classification Scheme 2023. Collection method: clinical testing. Allele origin: germline.

GeneDx
Classification: Uncertain significance. Last evaluated: 2024-05-08. Review status: criteria provided, single submitter. Criteria: GeneDx Variant Classification Process June 2021. Collection method: clinical testing. Allele origin: germline. Affected: yes.
Comment: In silico analysis indicates that this missense variant does not alter protein structure/function; Has not been previously published as pathogenic or benign to our knowledge

Revvity Omics, Revvity
Classification: Uncertain significance. Last evaluated: 2019-09-04. Review status: criteria provided, single submitter. Criteria: ACMG Guidelines, 2015. Collection method: clinical testing. Allele origin: germline.